The following is an entry in ClinVar:

NM_020433.5(JPH2):c.243C>T (p.Leu81=)

Gene: JPH2 (junctophilin 2; minus strand). Cytogenetic location: 20q13.12.
Variant type: single nucleotide variant.
Coding change: c.243C>T on transcript NM_020433.5 (MANE Select); coding-DNA position 243, C replaced by T.
Protein change: p.Leu81=; no amino-acid change (leucine 81 retained).
Molecular consequence: synonymous variant.
Genome position (GRCh38, 1-based): chr20:44,186,463, G>A on the plus strand (C>T on the coding strand, the complement: JPH2 is on the minus strand). VCF-style: chr20-44186463-G-A. GRCh37 (hg19) VCF-style: chr20-42815103-G-A.
Other names: c.243C>T, p.Leu81= (NM_175913.4).
Identifiers: ClinVar variation 507621 (VCV000507621.5), dbSNP rs760086204, ClinGen allele CA9868906.
Genomic context (GRCh38, chr20:44,186,463, plus strand): 5'-GCTTGAGCTCTGCCGGATTCCGTAGCGTCCCTTGAAGCCATGTGTCCACTCGCCCTTGTA[G>A]AGCCAGCGCCCCTTGGTCTCTATGCCCAGCCCATGCCGTTTGCCCTGGCTCCAGTATCCC-3'
Protein context (NP_065166.2, residues 71-91): GLGIETKGRW[Leu81=]YKGEWTHGFK

ClinVar aggregate classification (germline): Likely benign. Review status: criteria provided, multiple submitters, no conflicts (2 of 4 stars). 4 submissions from 4 submitters: Likely benign (4). Last evaluated 2026-05-26.

Conditions:
JPH2-related disorder. Also called: JPH2-related condition.
Hypertrophic cardiomyopathy. Also called: HYPERTROPHIC MYOCARDIOPATHY. Identifiers: Orphanet 217569, MedGen C0007194, MeSH D002312, MONDO:0005045, HP:0001639.
Cardiovascular phenotype. Identifiers: MedGen CN230736.

Allele frequency attached by ClinVar (database versions not stated): gnomAD exomes 0.00001 and 0.00003; TOPMed 0.00001; ExAC 0.00002.

Submissions (4):

PreventionGenetics, part of Exact Sciences
Classification: Likely benign for JPH2-related condition. Last evaluated: 2026-05-26. Review status: criteria provided, single submitter. Criteria: ACMG Guidelines, 2015. Collection method: clinical testing. Allele origin: germline.
Comment: This variant is classified as likely benign based on ACMG/AMP sequence variant interpretation guidelines (Richards et al. 2015 PMID: 25741868, with internal and published modifications).

Labcorp Genetics (formerly Invitae), Labcorp
Classification: Likely benign for Hypertrophic cardiomyopathy. Last evaluated: 2025-11-22. Review status: criteria provided, single submitter. Criteria: Invitae Variant Classification Sherloc (09022015). Collection method: clinical testing. Allele origin: germline.

Ambry Genetics
Classification: Likely benign for Cardiovascular phenotype. Last evaluated: 2020-11-16. Review status: criteria provided, single submitter. Criteria: Ambry Variant Classification Scheme 2023. Collection method: clinical testing. Allele origin: germline.

GeneDx
Classification: Likely benign. Last evaluated: 2017-02-17. Review status: criteria provided, single submitter. Criteria: GeneDx Variant Classification (06012015). Collection method: clinical testing. Allele origin: germline. Affected: yes.
Comment: This variant is considered likely benign or benign based on one or more of the following criteria: it is a conservative change, it occurs at a poorly conserved position in the protein, it is predicted to be benign by multiple in silico algorithms, and/or has population frequency not consistent with disease.